The following is an entry in ClinVar:

ClinVar aggregate classification (germline): Uncertain significance. Review status: criteria provided, multiple submitters, no conflicts (2 of 4 stars). 5 submissions from 5 submitters: Uncertain significance (5). Last evaluated 2026-05-11.

Conditions:
BBS10-related disorder. Also called: BBS10-related condition.
Bardet-Biedl syndrome (BBS). Identifiers: Orphanet 110, MedGen C0752166, MONDO:0015229.
Inborn genetic diseases. Identifiers: MedGen C0950123, MeSH D030342.
Bardet-Biedl syndrome 10 (BBS10). Identifiers: Orphanet 110, MedGen C1859568, MONDO:0014438, OMIM 615987.

Allele frequency attached by ClinVar (database versions not stated): gnomAD exomes below 0.00001; gnomAD 0.00001; TOPMed 0.00002.

Submissions (5):

PreventionGenetics, part of Exact Sciences
Classification: Uncertain significance for BBS10-related condition. Last evaluated: 2026-05-11. Review status: criteria provided, single submitter. Criteria: ACMG Guidelines, 2015. Collection method: clinical testing. Allele origin: germline.
Comment: The BBS10 c.647A>C variant is predicted to result in the amino acid substitution p.Asp216Ala. To our knowledge, this variant has not been reported in the literature. This variant is reported in 0.020% of alleles in individuals of East Asian descent in gnomAD. At this time, the clinical significance of this variant is uncertain due to the absence of conclusive functional and genetic evidence.

Ambry Genetics
Classification: Uncertain significance for Inborn genetic diseases. Last evaluated: 2025-12-10. Review status: criteria provided, single submitter. Criteria: Ambry Variant Classification Scheme 2023. Collection method: clinical testing. Allele origin: germline.

Fulgent Genetics
Classification: Uncertain significance for Bardet-Biedl syndrome 10. Last evaluated: 2024-04-04. Review status: criteria provided, single submitter. Criteria: ACMG Guidelines, 2015. Collection method: clinical testing. Allele origin: germline.

Labcorp Genetics (formerly Invitae), Labcorp
Classification: Uncertain significance for Bardet-Biedl syndrome. Last evaluated: 2022-09-06. Review status: criteria provided, single submitter. Criteria: Invitae Variant Classification Sherloc (09022015). Collection method: clinical testing. Allele origin: germline.
Comment: This sequence change replaces aspartic acid, which is acidic and polar, with alanine, which is neutral and non-polar, at codon 216 of the BBS10 protein (p.Asp216Ala). This variant is present in population databases (no rsID available, gnomAD 0.02%). This variant has not been reported in the literature in individuals affected with BBS10-related conditions. Algorithms developed to predict the effect of missense changes on protein structure and function are either unavailable or do not agree on the potential impact of this missense change (SIFT: "Deleterious"; PolyPhen-2: "Possibly Damaging"; Align-GVGD: "Class C0"). In summary, the available evidence is currently insufficient to determine the role of this variant in disease. Therefore, it has been classified as a Variant of Uncertain Significance.

Blueprint Genetics
Classification: Uncertain significance. Last evaluated: 2022-01-25. Review status: criteria provided, single submitter. Criteria: ACMG Guidelines, 2015. Collection method: clinical testing. Allele origin: germline.

NM_024685.4(BBS10):c.647A>C (p.Asp216Ala)

Gene: BBS10 (Bardet-Biedl syndrome 10; minus strand). Cytogenetic location: 12q21.2.
Variant type: single nucleotide variant.
Coding change: c.647A>C on transcript NM_024685.4 (MANE Select); coding-DNA position 647, A replaced by C.
Protein change: p.Asp216Ala; replaces aspartic acid 216 with alanine.
Molecular consequence: missense variant.
Genome position (GRCh38, 1-based): chr12:76,347,338, T>G on the plus strand (A>C on the coding strand, the complement: BBS10 is on the minus strand). VCF-style: chr12-76347338-T-G. GRCh37 (hg19) VCF-style: chr12-76741118-T-G.
Other names: c.647A>C (NM_024685.3); short protein forms D216A.
Identifiers: ClinVar variation 2027946 (VCV002027946.6), dbSNP rs1052658727, ClinGen allele CA239332300.